The following is an entry in ClinVar:

ClinVar aggregate classification (germline): Uncertain significance (1 of 4 stars; one submission).

Allele frequency attached by ClinVar (database versions not stated): gnomAD exomes below 0.00001 and 0.00003; ExAC 0.00001; gnomAD 0.00010 and 0.00011; TOPMed 0.00010.

Submission:

Labcorp Genetics (formerly Invitae), Labcorp
Classification: Uncertain significance. Last evaluated: 2022-09-27. Review status: criteria provided, single submitter. Criteria: Invitae Variant Classification Sherloc (09022015). Collection method: clinical testing. Allele origin: germline.
Comment: This sequence change creates a premature translational stop signal (p.Ala232Glyfs*3) in the RGS9BP gene. While this is not anticipated to result in nonsense mediated decay, it is expected to disrupt the last 4 amino acid(s) of the RGS9BP protein. This variant is present in population databases (rs747614357, gnomAD 0.03%). This variant has not been reported in the literature in individuals affected with RGS9BP-related conditions. ClinVar contains an entry for this variant (Variation ID: 1356084). In summary, the available evidence is currently insufficient to determine the role of this variant in disease. Therefore, it has been classified as a Variant of Uncertain Significance.

NM_207391.3(RGS9BP):c.695del (p.Ala232fs)

Gene: RGS9BP (regulator of G protein signaling 9 binding protein; plus strand). Cytogenetic location: 19q13.11.
Variant type: Deletion.
Coding change: c.695del on transcript NM_207391.3 (MANE Select); coding-DNA position 695, one base deleted (C; older notation c.695delC).
Protein change: p.Ala232fs; shifts the reading frame from alanine 232.
Molecular consequence: frameshift variant.
Genome position (GRCh38, 1-based): chr19:32,676,958, C deleted. VCF-style (leftmost placement, unchanged base first): chr19-32676957-GC-G. GRCh37 (hg19) VCF-style: chr19-33167863-GC-G.
Other names: short protein forms A232fs.
Identifiers: ClinVar variation 1356084 (VCV001356084.5), dbSNP rs747614357, ClinGen allele CA9357584.